The following is an entry in ClinVar:

ClinVar aggregate classification (germline): Likely pathogenic (1 of 4 stars; one submission).

Conditions:
Acute infantile liver failure due to synthesis defect of mtDNA-encoded proteins. Also called: LIVER FAILURE, INFANTILE, TRANSIENT; Liver failure acute infantile; TRMU Deficiency. Identifiers: Orphanet 217371, MedGen C3278664, MONDO:0013111, OMIM 613070.

Submission:

Women's Health and Genetics/Laboratory Corporation of America, LabCorp
Classification: Likely pathogenic for Acute infantile liver failure due to synthesis defect of mtDNA-encoded proteins. Last evaluated: 2023-04-13. Review status: criteria provided, single submitter. Criteria: LabCorp Variant Classification Summary - May 2015. Collection method: clinical testing. Allele origin: germline.
Comment: Variant summary: The variant identified by MLPA or other technology involves the deletion of exons 39-48 in the NBAS gene. A presumed nomenclature of c.(4582+1_4583-1)_(6432+1_6433-1)del has been designated for the purposes of this classification. Although exact breakpoints of this deletion are not known, it is expected to result in a frameshift in the NBAS gene, a known mechanism of disease. The variant was absent in 21694 control chromosomes. To our knowledge, no occurrence of c.(4582+1_4583-1)_(6432+1_6433-1)del in individuals affected with Liver Failure Acute Infantile, Type 2 and no experimental evidence demonstrating its impact on protein function have been reported. One submitter has provided a clinical-significance assessment for this variant to ClinVar after 2014 , and classified the variant as pathogenic. Based on the evidence outlined above, the variant was classified as likely pathogenic.

NC_000002.11:g.(15330528_15358896)_(15449372_15467873)del

Gene: NBAS (NBAS subunit of NRZ tethering complex; minus strand). Cytogenetic location: 2p24.3.
Variant type: Deletion.
Identifiers: ClinVar variation 2504063 (VCV002504063.1).